The following is an entry in ClinVar:

NM_005475.3(SH2B3):c.1507T>A (p.Ser503Thr)

Gene: SH2B3 (SH2B adaptor protein 3; plus strand). Cytogenetic location: 12q24.12.
Variant type: single nucleotide variant.
Coding change: c.1507T>A on transcript NM_005475.3 (MANE Select); coding-DNA position 1507, T replaced by A.
Protein change: p.Ser503Thr; replaces serine 503 with threonine.
Molecular consequence: missense variant.
Genome position (GRCh38, 1-based): chr12:111,448,081, T>A. VCF-style: chr12-111448081-T-A. GRCh37 (hg19) VCF-style: chr12-111885885-T-A.
Other names: c.901T>A, p.Ser301Thr (NM_001291424.1); short protein forms S301T, S503T.
Identifiers: ClinVar variation 4163918 (VCV004163918.1).

ClinVar aggregate classification (germline): Uncertain significance (1 of 4 stars; one submission).

Conditions:
Inborn genetic diseases. Identifiers: MedGen C0950123, MeSH D030342.

gnomAD v4.1: 1 of 1,614,014 alleles (0.000062%); highest among the groups gnomAD compares: South Asian, 0.0011%; no homozygotes.

Submission:

Ambry Genetics
Classification: Uncertain significance for Inborn genetic diseases. Last evaluated: 2025-06-28. Review status: criteria provided, single submitter. Criteria: Ambry Variant Classification Scheme 2023. Collection method: clinical testing. Allele origin: germline.
Comment: The p.S503T variant (also known as c.1507T>A), located in coding exon 7 of the SH2B3 gene, results from a T to A substitution at nucleotide position 1507. The serine at codon 503 is replaced by threonine, an amino acid with similar properties. This amino acid position is conserved. In addition, this alteration is predicted to be tolerated by in silico analysis. Based on the available evidence, the clinical significance of this variant remains unclear.